The following is an entry in ClinVar:

ClinVar aggregate classification (germline): Uncertain significance (1 of 4 stars; one submission).

Submission:

CeGaT Center for Human Genetics Tuebingen
Classification: Uncertain significance. Last evaluated: 2024-10-01. Review status: criteria provided, single submitter. Criteria: CeGaT Center For Human Genetics Tuebingen Variant Classification Criteria Version 2. Collection method: clinical testing. Allele origin: germline. Affected: yes. Observed: 1 variant allele.
Comment: GRIA3: PM2, PP2

NM_007325.5(GRIA3):c.2582A>G (p.Lys861Arg)

Gene: GRIA3 (glutamate ionotropic receptor AMPA type subunit 3; plus strand). Cytogenetic location: Xq25.
Variant type: single nucleotide variant.
Coding change: c.2582A>G on transcript NM_007325.5 (MANE Select); coding-DNA position 2582, A replaced by G.
Protein change: p.Lys861Arg; replaces lysine 861 with arginine.
Molecular consequence: missense variant.
Genome position (GRCh38, 1-based): chrX:123,482,941, A>G. VCF-style: chrX-123482941-A-G. GRCh37 (hg19) VCF-style: chrX-122616792-A-G.
Other names: c.2582A>G, p.Lys861Arg (NM_000828.5); short protein forms K861R.
Identifiers: ClinVar variation 3390014 (VCV003390014.14).